The following is an entry in ClinVar:

NM_014915.3(ANKRD26):c.1991C>A (p.Thr664Asn)

Gene: ANKRD26 (ankyrin repeat domain containing 26; minus strand). Cytogenetic location: 10p12.1.
Variant type: single nucleotide variant.
Coding change: c.1991C>A on transcript NM_014915.3 (MANE Select); coding-DNA position 1991, C replaced by A.
Protein change: p.Thr664Asn; replaces threonine 664 with asparagine.
Molecular consequence: missense variant.
Genome position (GRCh38, 1-based): chr10:27,044,185, G>T on the plus strand (C>A on the coding strand, the complement: ANKRD26 is on the minus strand). VCF-style: chr10-27044185-G-T. GRCh37 (hg19) VCF-style: chr10-27333114-G-T.
Other names: c.1988C>A, p.Thr663Asn (NM_001256053.2); short protein forms T664N, T663N.
Identifiers: ClinVar variation 3913527 (VCV003913527.1).
Genomic context (GRCh38, chr10:27,044,185, plus strand): 5'-CAATAATTTTGATAATTTATTTTTTACAGTACCTTGTTCTTTTCATTAGATGTTTTCTTA[G>T]TAGGCCTAAAAAAAAAAAATACCTTTCAGGCAAATAGTAAACATGTAAAATGCAAGGAAT-3'
Protein context (NP_055730.2, residues 654-674): SEIDEDEGRP[Thr664Asn]KKTSNEKNKV

ClinVar aggregate classification (germline): Uncertain significance (1 of 4 stars; one submission).

Conditions:
Inborn genetic diseases. Identifiers: MedGen C0950123, MeSH D030342.

Submission:

Ambry Genetics
Classification: Uncertain significance for Inborn genetic diseases. Last evaluated: 2025-03-31. Review status: criteria provided, single submitter. Criteria: Ambry Variant Classification Scheme 2023. Collection method: clinical testing. Allele origin: germline.
Comment: The p.T664N variant (also known as c.1991C>A), located in coding exon 19 of the ANKRD26 gene, results from a C to A substitution at nucleotide position 1991. The threonine at codon 664 is replaced by asparagine, an amino acid with similar properties. This amino acid position is conserved. In addition, this alteration is predicted to be tolerated by in silico analysis. Based on the available evidence, the clinical significance of this variant remains unclear.